The following is an entry in ClinVar:

ClinVar aggregate classification (germline): Likely pathogenic. Review status: criteria provided, multiple submitters, no conflicts (2 of 4 stars). 2 submissions from 2 submitters: Likely pathogenic (2). Last evaluated 2026-02-25.

Conditions:
Rare genetic deafness. Identifiers: Orphanet 96210, MedGen C5680250.
STRC-related disorder. Also called: STRC-related condition.

Allele frequency attached by ClinVar (database versions not stated): TOPMed 0.00001; gnomAD exomes 0.00002; ExAC 0.00033.

Submissions (2):

PreventionGenetics, part of Exact Sciences
Classification: Likely pathogenic for STRC-related condition. Last evaluated: 2026-02-25. Review status: criteria provided, single submitter. Criteria: ACMG Guidelines, 2015. Collection method: clinical testing. Allele origin: germline.
Comment: The STRC c.2141T>C variant is predicted to result in the amino acid substitution p.Leu714Pro. This variant was reported in two presumably unrelated individuals with non-syndromic hearing loss along with a full gene deletion of STRC (Mandelker. 2014. PubMed ID: 25157971; Simi. 2021. PubMed ID: 34111299). This variant is also reported in ClinVar in an individual with sensorineural hearing loss and an affected relative, both of whom also had a full gene deletion of STRC (Variation ID: 667028). This variant is reported in 0.0048% of alleles in individuals of European (Non-Finnish) descent in gnomAD including one homozygote, although sequence paralogy at this locus may make allele frequency data unreliable. This variant is interpreted as likely pathogenic.

Laboratory for Molecular Medicine, Mass General Brigham Personalized Medicine
Classification: Likely pathogenic for Rare genetic deafness. Last evaluated: 2021-08-12. Review status: criteria provided, single submitter. Criteria: ACMG Guidelines, 2015. Collection method: clinical testing. Allele origin: germline.
Comment: It has also been identified in 1 homozygous individual (2/41450 of European chromosomes) by gnomAD, though the frequency may not be accurately represented in this database due to low coverage. Computational prediction tools and conservation analysis suggest that this variant may impact the protein. In summary, although additional studies are required to fully establish its clinical significance, this variant meets criteria to be classified as likely pathogenic for autosomal recessive hearing loss. ACMG/AMP Criteria applied: PM2_Supporting, PM3, PP1, PP3.

Literature cited by the submitters: PubMed 25157971 (cited by Laboratory for Molecular Medicine, Mass General Brigham Personalized Medicine).

NM_153700.2(STRC):c.2141T>C (p.Leu714Pro)

Gene: STRC (stereocilin; minus strand). Cytogenetic location: 15q15.3.
Variant type: single nucleotide variant.
Coding change: c.2141T>C on transcript NM_153700.2 (MANE Select); coding-DNA position 2141, T replaced by C.
Protein change: p.Leu714Pro; replaces leucine 714 with proline.
Molecular consequence: missense variant.
Genome position (GRCh38, 1-based): chr15:43,614,469, A>G on the plus strand (T>C on the coding strand, the complement: STRC is on the minus strand). VCF-style: chr15-43614469-A-G. GRCh37 (hg19) VCF-style: chr15-43906667-A-G.
Other names: short protein forms L714P.
Identifiers: ClinVar variation 667028 (VCV000667028.8), dbSNP rs776039868, ClinGen allele CA7528415.